The following is an entry in ClinVar:

ClinVar aggregate classification (germline): Uncertain significance (1 of 4 stars; one submission).

Allele frequency attached by ClinVar (database versions not stated): gnomAD exomes 0.00003 and 0.00004; TOPMed 0.00003; ExAC 0.00005; gnomAD 0.00007 and 0.00008.
gnomAD v4.1: 68 of 1,613,848 alleles (0.0042%); highest among the groups gnomAD compares: Non-Finnish European, 0.0055%; no homozygotes.

Submission:

Labcorp Genetics (formerly Invitae), Labcorp
Classification: Uncertain significance. Last evaluated: 2024-11-18. Review status: criteria provided, single submitter. Criteria: Invitae Variant Classification Sherloc (09022015). Collection method: clinical testing. Allele origin: germline.
Comment: This sequence change replaces arginine, which is basic and polar, with glutamine, which is neutral and polar, at codon 447 of the LCT protein (p.Arg447Gln). This variant is present in population databases (rs775399160, gnomAD 0.006%). This variant has not been reported in the literature in individuals affected with LCT-related conditions. ClinVar contains an entry for this variant (Variation ID: 1385331). An algorithm developed to predict the effect of missense changes on protein structure and function outputs the following: PolyPhen-2: "Benign". The glutamine amino acid residue is found in multiple mammalian species, which suggests that this missense change does not adversely affect protein function. In summary, the available evidence is currently insufficient to determine the role of this variant in disease. Therefore, it has been classified as a Variant of Uncertain Significance.

NM_002299.4(LCT):c.1340G>A (p.Arg447Gln)

Genes: LCT (lactase; minus strand), LOC126806353 (BRD4-independent group 4 enhancer GRCh37_chr2:136574960-136576159; plus strand). Cytogenetic location: 2q21.3.
Variant type: single nucleotide variant.
Coding change: c.1340G>A on transcript NM_002299.4 (MANE Select); coding-DNA position 1340, G replaced by A.
Protein change: p.Arg447Gln; replaces arginine 447 with glutamine.
Molecular consequence: missense variant.
Genome position (GRCh38, 1-based): chr2:135,817,708, C>T on the plus strand (G>A on the coding strand, the complement: LCT is on the minus strand). VCF-style: chr2-135817708-C-T. GRCh37 (hg19) VCF-style: chr2-136575278-C-T.
Other names: short protein forms R447Q.
Identifiers: ClinVar variation 1385331 (VCV001385331.6), dbSNP rs775399160, ClinGen allele CA1888403.